The following is an entry in ClinVar:

ClinVar aggregate classification (germline): Uncertain significance (0 of 4 stars; one submission).

Conditions:
CHD4-related disorder. Also called: CHD4-related condition.

Submission:

PreventionGenetics, part of Exact Sciences
Classification: Uncertain significance for CHD4-related condition. Last evaluated: 2024-04-23. Review status: no assertion criteria provided. Collection method: clinical testing. Allele origin: germline.
Comment: The CHD4 c.4142C>T variant is predicted to result in the amino acid substitution p.Ser1381Leu. To our knowledge, this variant has not been reported in the literature or in a large population database, indicating this variant is rare. At this time, the clinical significance of this variant is uncertain due to the absence of conclusive functional and genetic evidence.

NM_001273.5(CHD4):c.4142C>T (p.Ser1381Leu)

Genes: CHD4 (chromodomain helicase DNA binding protein 4; minus strand), CHD4-AS1 (CHD4 antisense RNA 1; plus strand). Cytogenetic location: 12p13.31.
Variant type: single nucleotide variant.
Coding change: c.4142C>T on transcript NM_001273.5 (MANE Select); coding-DNA position 4142, C replaced by T.
Protein change: p.Ser1381Leu; replaces serine 1381 with leucine.
Molecular consequence: missense variant.
Genome position (GRCh38, 1-based): chr12:6,583,032, G>A on the plus strand (C>T on the coding strand, the complement: CHD4 is on the minus strand). VCF-style: chr12-6583032-G-A. GRCh37 (hg19) VCF-style: chr12-6692198-G-A.
Other names: c.4121C>T, p.Ser1374Leu (NM_001297553.2); c.4103C>T, p.Ser1368Leu (NM_001363606.2); short protein forms S1368L, S1374L, S1381L.
Identifiers: ClinVar variation 3344289 (VCV003344289.1).